The following is an entry in ClinVar:

NM_024675.4(PALB2):c.2599T>C (p.Ser867Pro)

Gene: PALB2 (partner and localizer of BRCA2; minus strand). Cytogenetic location: 16p12.2.
Variant type: single nucleotide variant.
Coding change: c.2599T>C on transcript NM_024675.4 (MANE Select); coding-DNA position 2599, T replaced by C.
Protein change: p.Ser867Pro; replaces serine 867 with proline.
Molecular consequence: missense variant.
Genome position (GRCh38, 1-based): chr16:23,626,385, A>G on the plus strand (T>C on the coding strand, the complement: PALB2 is on the minus strand). VCF-style: chr16-23626385-A-G. GRCh37 (hg19) VCF-style: chr16-23637706-A-G.
Other names: c.2539T>C, p.Ser847Pro (NM_001407296.1); c.2527T>C, p.Ser843Pro (NM_001407297.1); c.2599T>C, p.Ser867Pro (NM_001407299.1, NM_001407300.1, NM_001407301.1); c.1714T>C, p.Ser572Pro (NM_001407304.1, NM_001407305.1, NM_001407306.1 and 4 more transcripts); c.811T>C, p.Ser271Pro (NM_001407312.1, NM_001407313.1); c.133T>C, p.Ser45Pro (NM_001407314.1); short protein forms S572P, S843P, S867P, S45P, S847P, S271P.
Identifiers: ClinVar variation 1793607 (VCV001793607.3), dbSNP rs2142356482, ClinGen allele CA395122247.

ClinVar aggregate classification (germline): Uncertain significance. Review status: criteria provided, multiple submitters, no conflicts (2 of 4 stars). 2 submissions from 2 submitters: Uncertain significance (2). Last evaluated 2024-01-20.

Conditions:
Hereditary cancer-predisposing syndrome. Also called: Tumor predisposition; Hereditary Cancer Syndrome; Neoplastic Syndromes, Hereditary; Hereditary neoplastic syndrome. Identifiers: Orphanet 140162, MedGen C0027672, MeSH D009386, MONDO:0015356.
Familial cancer of breast. Also called: Hereditary breast cancer; BREAST CANCER, FAMILIAL; hereditary breast carcinoma. Identifiers: Orphanet 227535, MedGen C0346153, MONDO:0016419, OMIM 114480. Disease mechanism: loss of function.

Submissions (2):

Baylor Genetics
Classification: Uncertain significance for Familial cancer of breast. Last evaluated: 2024-01-20. Review status: criteria provided, single submitter. Criteria: ACMG Guidelines, 2015. Collection method: clinical testing. Allele origin: unknown.

Ambry Genetics
Classification: Uncertain significance for Hereditary cancer-predisposing syndrome. Last evaluated: 2021-04-30. Review status: criteria provided, single submitter. Criteria: Ambry Variant Classification Scheme 2023. Collection method: clinical testing. Allele origin: germline.
Comment: The p.S867P variant (also known as c.2599T>C), located in coding exon 7 of the PALB2 gene, results from a T to C substitution at nucleotide position 2599. The serine at codon 867 is replaced by proline, an amino acid with similar properties. This amino acid position is highly conserved in available vertebrate species. In addition, this alteration is predicted to be tolerated by in silico analysis. Since supporting evidence is limited at this time, the clinical significance of this alteration remains unclear.